The following is an entry in ClinVar:

NM_001378454.1(ALMS1):c.7457T>C (p.Leu2486Pro)

Gene: ALMS1 (ALMS1 centrosome and basal body associated protein; plus strand). Cytogenetic location: 2p13.1.
Variant type: single nucleotide variant.
Coding change: c.7457T>C on transcript NM_001378454.1 (MANE Select); coding-DNA position 7457, T replaced by C.
Protein change: p.Leu2486Pro; replaces leucine 2486 with proline.
Molecular consequence: missense variant.
Genome position (GRCh38, 1-based): chr2:73,453,984, T>C. VCF-style: chr2-73453984-T-C. GRCh37 (hg19) VCF-style: chr2-73681111-T-C.
Other names: c.7460T>C, p.Leu2487Pro (NM_015120.4); short protein forms L2486P, L2487P.
Identifiers: ClinVar variation 2177156 (VCV002177156.1), dbSNP rs1221335432, ClinGen allele CA347292510.

ClinVar aggregate classification (germline): Uncertain significance (1 of 4 stars; one submission).

Conditions:
Alstrom syndrome (ALMS). Identifiers: Orphanet 64, MedGen C0268425, MONDO:0008763, OMIM 203800.

Allele frequency attached by ClinVar (database versions not stated): gnomAD exomes below 0.00001.
gnomAD v4.1: 1 of 1,613,574 alleles (0.000062%); highest among the groups gnomAD compares: Admixed American, 0.0017%; no homozygotes.

Submission:

Labcorp Genetics (formerly Invitae), Labcorp
Classification: Uncertain significance for Alstrom syndrome. Last evaluated: 2022-06-08. Review status: criteria provided, single submitter. Criteria: Invitae Variant Classification Sherloc (09022015). Collection method: clinical testing. Allele origin: germline.
Comment: This sequence change replaces leucine, which is neutral and non-polar, with proline, which is neutral and non-polar, at codon 2487 of the ALMS1 protein (p.Leu2487Pro). This variant is present in population databases (no rsID available, gnomAD 0.003%). This variant has not been reported in the literature in individuals affected with ALMS1-related conditions. Experimental studies and prediction algorithms are not available or were not evaluated, and the functional significance of this variant is currently unknown. In summary, the available evidence is currently insufficient to determine the role of this variant in disease. Therefore, it has been classified as a Variant of Uncertain Significance.